The following is an entry in ClinVar:

ClinVar aggregate classification (germline): Likely benign (0 of 4 stars; one submission).

Conditions:
MGAM-related disorder. Also called: MGAM-related condition.

Allele frequency attached by ClinVar (database versions not stated): 1000 Genomes Project 0.00120; 1000 Genomes Project 30x 0.00125; ESP Exome Variant Server 0.00130; ExAC 0.00140; gnomAD exomes 0.00172; gnomAD 0.00174; TOPMed 0.00210.
gnomAD v4.1: 2,788 of 1,613,486 alleles (0.17%); highest among the groups gnomAD compares: Admixed American, 0.56%; 2 homozygotes.

Submission:

PreventionGenetics, part of Exact Sciences
Classification: Likely benign for MGAM-related condition. Last evaluated: 2023-03-28. Review status: no assertion criteria provided. Collection method: clinical testing. Allele origin: germline.
Comment: This variant is classified as likely benign based on ACMG/AMP sequence variant interpretation guidelines (Richards et al. 2015 PMID: 25741868, with internal and published modifications).

NM_001365693.1(MGAM):c.1911A>C (p.Arg637Ser)

Gene: MGAM (maltase-glucoamylase; plus strand). Cytogenetic location: 7q34.
Variant type: single nucleotide variant.
Coding change: c.1911A>C on transcript NM_001365693.1 (MANE Select); coding-DNA position 1911, A replaced by C.
Protein change: p.Arg637Ser; replaces arginine 637 with serine.
Molecular consequence: missense variant.
Genome position (GRCh38, 1-based): chr7:142,034,793, A>C. VCF-style: chr7-142034793-A-C. GRCh37 (hg19) VCF-style: chr7-141734593-A-C.
Other names: c.1911A>C, p.Arg637Ser (NM_004668.3); short protein forms R637S.
Identifiers: ClinVar variation 3039309 (VCV003039309.2), dbSNP rs190777514, ClinGen allele CA4520928.